The following is an entry in ClinVar:

ClinVar aggregate classification (germline): Benign. Review status: criteria provided, multiple submitters, no conflicts (2 of 4 stars). 2 submissions from 2 submitters: Benign (2). Last evaluated 2018-01-12.

Conditions:
Gamma-aminobutyric acid transaminase deficiency (GABATD). Also called: GABA aminotransaminase deficiency; GABA transaminase deficiency; Gamma aminobutyrate transaminase deficiency; 4 alpha aminobutyrate transaminase deficiency. Identifiers: Orphanet 2066, MedGen C0342708, MONDO:0013166, OMIM 613163.

Allele frequency attached by ClinVar (database versions not stated): gnomAD exomes 0.25000; TOPMed 0.25911; gnomAD 0.26539 and 0.26650; 1000 Genomes Project 30x 0.27498; 1000 Genomes Project 0.27875.
gnomAD v4.1: 40,510 of 152,050 alleles (27%); highest among the groups gnomAD compares: East Asian, 34%; 5,510 homozygotes.

Submissions (2):

Illumina Laboratory Services, Illumina
Classification: Benign for Gamma-aminobutyric acid transaminase deficiency. Last evaluated: 2018-01-12. Review status: criteria provided, single submitter. Criteria: ICSL Variant Classification Criteria 13 December 2019. Collection method: clinical testing. Allele origin: germline.
Comment: This variant was observed in the ICSL laboratory as part of a predisposition screen in an ostensibly healthy population. It had not been previously curated by ICSL or reported in the Human Gene Mutation Database (HGMD: prior to June 1st, 2018), and was therefore a candidate for classification through an automated scoring system. Utilizing variant allele frequency, disease prevalence and penetrance estimates, and inheritance mode, an automated score was calculated to assess if this variant is too frequent to cause the disease. Based on the score and internal cut-off values, a variant classified as benign is not then subjected to further curation. The score for this variant resulted in a classification of benign for this disease.

Breakthrough Genomics
Classification: Benign. Review status: criteria provided, single submitter. Criteria: ACMG Guidelines, 2015. Collection method: not provided. Allele origin: germline. Inheritance: Autosomal recessive inheritance. Affected: yes.

NM_020686.6(ABAT):c.*1405C>T

Gene: ABAT (4-aminobutyrate aminotransferase; plus strand). Cytogenetic location: 16p13.2.
Variant type: single nucleotide variant.
Coding change: c.*1405C>T on transcript NM_020686.6 (MANE Select); 1405 bases downstream of the stop codon, C replaced by T.
Molecular consequence: 3 prime UTR variant.
Genome position (GRCh38, 1-based): chr16:8,782,835, C>T. VCF-style: chr16-8782835-C-T. GRCh37 (hg19) VCF-style: chr16-8876692-C-T.
Other names: c.*1405C>T (NM_000663.5, NM_001127448.2, NM_001386600.1 and 14 more transcripts); c.*1419C>T (NM_001386609.1, NM_001386616.1).
Identifiers: ClinVar variation 321118 (VCV000321118.6), dbSNP rs7201586, ClinGen allele CA10648231.